The following is an entry in ClinVar:

GRCh37/hg19 22q11.21(chr22:20725318-21800797)x1

Genes: AIFM3 (AIF family member 3; plus strand), CRKL (CRK like proto-oncogene, adaptor protein; plus strand), GGT2 (gamma-glutamyltransferase 2; minus strand), HIC2 (HIC ZBTB transcriptional repressor 2; plus strand), KLHL22 (kelch like family member 22; minus strand) and 12 more. Cytogenetic location: 22q11.21.
Variant type: copy number loss.
Change: copy number 1 (one copy instead of two) of chr22:20,725,318-21,800,797 (1.08 Mb, GRCh37 coordinates, 1-based), cytogenetic band 22q11.21.
Identifiers: ClinVar variation 1808690 (VCV001808690.1).

ClinVar aggregate classification (germline): Likely pathogenic (1 of 4 stars; one submission).

Submission:

Quest Diagnostics Nichols Institute San Juan Capistrano
Classification: Likely pathogenic. Last evaluated: 2022-06-07. Review status: criteria provided, single submitter. Criteria: ACMG/ClinGen CNV Guidelines, 2019. Collection method: clinical testing. Allele origin: unknown.
Comment: The 22q11.21 deletion interval is a recurrent 22q11.2 central deletion (LCR22-B to LCR22-D), which is distinct from DiGeorge syndrome and velocardiofacial syndrome region, as it does NOT involve the critical genes: HIRA or TBX1. The clinical manifestations of patients with 22q11.2 central deletion are highly variable with the most common features including growth retardation, immune deficiency/recurrent infections, central nervous system anomalies/seizures, developmental delay, intellectual disability, skeletal anomalies, cardiovascular defects, psychiatric/behavioral problems, genitourinary anomalies, and dysmorphic features. The majority of B/C-D deletions are inherited, sometimes from a parent with a similar phenotype, and sometimes from an unaffected parent, suggesting incomplete penetrance and variable expressivity (Burnside RD, Cytogenet Genome Res. 2015;146(2):89-99. PMID: 26278718). While there are several copy number losses which cover the majority of this region in the general populations of the Database of Genomic Variants, a single study demonstrates enrichment of the C-D deletion in patients with congenital kidney and urinary tract anomalies compared to controls (Lopez-Rivera et al., N Engl J Med. 2017 Feb 23;376(8):742-754. PMID: 28121514). Thus, the clinical significance of this copy number variant (CNV) is likely pathogenic.